The following is an entry in ClinVar:

ClinVar aggregate classification (germline): Uncertain significance (1 of 4 stars; one submission).

Conditions:
RAI1-related disorder. Also called: RAI1-related condition.

Submission:

PreventionGenetics, part of Exact Sciences
Classification: Uncertain significance for RAI1-related condition. Last evaluated: 2024-10-11. Review status: criteria provided, single submitter. Criteria: ACMG Guidelines, 2015. Collection method: clinical testing. Allele origin: germline.
Comment: The RAI1 c.2918C>T variant is predicted to result in the amino acid substitution p.Ala973Val. To our knowledge, this variant has not been reported in the literature or in a large population database (gnomAD), indicating this variant is rare. At this time, the clinical significance of this variant is uncertain due to the absence of conclusive functional and genetic evidence.

NM_030665.4(RAI1):c.2918C>T (p.Ala973Val)

Gene: RAI1 (retinoic acid induced 1; plus strand). Cytogenetic location: 17p11.2.
Variant type: single nucleotide variant.
Coding change: c.2918C>T on transcript NM_030665.4 (MANE Select); coding-DNA position 2918, C replaced by T.
Protein change: p.Ala973Val; replaces alanine 973 with valine.
Molecular consequence: missense variant.
Genome position (GRCh38, 1-based): chr17:17,795,866, C>T. VCF-style: chr17-17795866-C-T. GRCh37 (hg19) VCF-style: chr17-17699180-C-T.
Other names: short protein forms A973V.
Identifiers: ClinVar variation 5000429 (VCV005000429.1).